The following is an entry in ClinVar:

NM_173630.4(RTTN):c.4737del (p.Phe1579fs)

Gene: RTTN (rotatin; minus strand). Cytogenetic location: 18q22.2.
Variant type: Deletion.
Coding change: c.4737del on transcript NM_173630.4 (MANE Select); coding-DNA position 4737, one base deleted (T; older notation c.4737delT).
Protein change: p.Phe1579fs; shifts the reading frame from phenylalanine 1579.
Molecular consequence: frameshift variant.
Genome position (GRCh38, 1-based): chr18:70,065,839, A deleted on the plus strand (T on the coding strand, the reverse complement: RTTN is on the minus strand); the first of 3 consecutive A bases (chr18:70,065,839-70,065,841); deleting any one gives the same sequence. VCF-style (leftmost placement, unchanged base first): chr18-70065838-CA-C. GRCh37 (hg19) VCF-style: chr18-67733074-CA-C.
Other names: c.2001del, p.Phe667fs (NM_001318520.2); short protein forms F1579fs, F667fs.
Identifiers: ClinVar variation 2742375 (VCV002742375.3), dbSNP rs2512085619, ClinGen allele CA2642177054.

ClinVar aggregate classification (germline): Pathogenic (1 of 4 stars; one submission).

Submission:

Labcorp Genetics (formerly Invitae), Labcorp
Classification: Pathogenic. Last evaluated: 2023-07-18. Review status: criteria provided, single submitter. Criteria: Invitae Variant Classification Sherloc (09022015). Collection method: clinical testing. Allele origin: germline.
Comment: For these reasons, this variant has been classified as Pathogenic. This variant has not been reported in the literature in individuals affected with RTTN-related conditions. This variant is not present in population databases (gnomAD no frequency). This sequence change creates a premature translational stop signal (p.Phe1579Leufs*47) in the RTTN gene. It is expected to result in an absent or disrupted protein product. Loss-of-function variants in RTTN are known to be pathogenic (PMID: 26608784, 26846091).

Literature cited by the submitters: PubMed 26608784; PubMed 26846091.